The following is an entry in ClinVar:

NM_001267550.2(TTN):c.69095A>T (p.His23032Leu)

Genes: TTN (titin; minus strand), TTN-AS1 (TTN antisense RNA 1; plus strand). Cytogenetic location: 2q31.2.
Variant type: single nucleotide variant.
Coding change: c.69095A>T on transcript NM_001267550.2 (MANE Select); coding-DNA position 69095, A replaced by T.
Protein change: p.His23032Leu; replaces histidine 23032 with leucine.
Molecular consequence: missense variant.
Genome position (GRCh38, 1-based): chr2:178,577,240, T>A on the plus strand (A>T on the coding strand, the complement: TTN is on the minus strand). VCF-style: chr2-178577240-T-A. GRCh37 (hg19) VCF-style: chr2-179441967-T-A.
Other names: c.64172A>T, p.His21391Leu (NM_001256850.1); c.41900A>T, p.His13967Leu (NM_003319.4); c.61391A>T, p.His20464Leu (NM_133378.4); c.42275A>T, p.His14092Leu (NM_133432.3); c.42476A>T, p.His14159Leu (NM_133437.4); short protein forms H23032L, H20464L, H13967L, H14092L, H14159L, H21391L.
Identifiers: ClinVar variation 332795 (VCV000332795.6), dbSNP rs886055251, ClinGen allele CA10613249.

ClinVar aggregate classification (germline): Uncertain significance (1 of 4 stars; one submission).

Allele frequency attached by ClinVar (database versions not stated): gnomAD exomes below 0.00001.
gnomAD v4.1: 1 of 1,613,010 alleles (0.000062%); highest among the groups gnomAD compares: Non-Finnish European, 0.000085%; no homozygotes.

Submission:

ARUP Laboratories, Molecular Genetics and Genomics, ARUP Laboratories
Classification: Uncertain significance. Last evaluated: 2025-04-21. Review status: criteria provided, single submitter. Criteria: ARUP Molecular Germline Variant Investigation Process 2024. Collection method: clinical testing. Allele origin: germline.
Comment: The TTN c.69095A>T; p.His23032Leu variant (rs886055251; ClinVar Variation ID: 332795) is rare in the general population (<0.2% allele frequency in the Genome Aggregation Database) and has not been reported in the medical literature in association with dilated cardiomyopathy (DCM) or other TTN-related disease. The clinical relevance of rare missense variants in this gene, which are identified on average once per individual sequenced in affected populations (Herman 2012), is not well understood. Yet, evidence suggests that the vast majority of such missense variants do not contribute to the clinical outcome of DCM (Begay 2015). Thus, the clinical significance of the p.His23032Leu variant cannot be determined with certainty. References: Begay RL et al. Role of Titin Missense Variants in Dilated Cardiomyopathy. J Am Heart Assoc. 2015 Nov 13;4(11). PMID: 26567375. Herman DS et al. Truncations of titin causing dilated cardiomyopathy. N Engl J Med. 2012 Feb 16;366(7):619-28. PMID: 22335739. Linke WA and Hamdani N. Gigantic business: titin properties and function through thick and thin. Circ Res 2014; 114(6): 1052-1068. PMID: 24625729.